The following is an entry in ClinVar:

ClinVar aggregate classification (germline): Uncertain significance. Review status: reviewed by expert panel (3 of 4 stars). 2 submissions from 2 submitters: Uncertain significance (1). 1 of the submissions does not count toward it. Last evaluated 2022-06-30.

Conditions:
Mitochondrial disease. Also called: Mitochondrial disorder; Mitochondrial disorders. Identifiers: Orphanet 68380, MedGen C0751651, MeSH D028361, MONDO:0044970.
Leber optic atrophy (LHON). Also called: Leber's disease; Optic Atrophy, Hereditary, Leber; Leber hereditary optic neuropathy; Leber's optic atrophy. Identifiers: Orphanet 104, MedGen C0917796, MONDO:0010788, OMIM 535000, HP:0001112.

Submissions (2):

ClinGen Mitochondrial Disease Nuclear and Mitochondrial  Variant Curation Expert Panel, ClinGen
Classification: Uncertain significance for Mitochondrial disease. Last evaluated: 2022-06-30. Review status: reviewed by expert panel. Criteria: clingen mito disease acmg specifications v1-1. Collection method: curation. Allele origin: germline. Inheritance: Mitochondrial inheritance.
Comment: This individual had features in the MELAS/LHON spectrums and harbored the variant at 98% heteroplasmy in muscle, 18% in blood, and 67% in urine. This does not meet criteria for PS4_supporting which requires at least two unrelated affected individuals. This variant was de novo in the single reported case, as the proband's mother and siblings did not have the variant in blood or urine via PCR-RFLP (PS2_supporting; PMID: 15657614). There are no large families reported in the medical literature to consider for evidence of segregation. This variant is absent in the GenBank dataset, Helix dataset, and gnomAD v3.1.2 (PM2_supporting). The computational predictor APOGEE gives a consensus rating of neutral with a borderline pathogenicity predictor score, 0.5 (Min=0, Max=1), evidence that does not predict a damaging effect on gene function (BP4). There are no cybrids or single fiber studies reported on this variant. In summary, this variant meets criteria to be classified as uncertain significance for primary mitochondrial disease inherited in a mitochondrial manner. This classification was approved by the NICHD/NINDS U24 Mitochondrial Disease Variant Curation Expert Panel on February 14, 2022. Mitochondrial DNA-specific ACMG/AMP criteria (PMID: 32906214): PS2_supporting, PM2_supporting, BP4.

GeneReviews
No classification provided. Condition: Leber optic atrophy. Review status: no classification provided. Collection method: literature only. Allele origin: maternal. Not counted in ClinVar's aggregate classification.

Literature cited by the submitters: PubMed 30143805 (cited by GeneReviews); PubMed 20301353 (cited by GeneReviews).

NC_012920.1(MT-ND1):m.3376G>A

Gene: MT-ND1 (mitochondrially encoded NADH dehydrogenase 1; plus strand).
Variant type: single nucleotide variant.
Genome position: chrM-3376-G-A.
Identifiers: ClinVar variation 65921 (VCV000065921.4), dbSNP rs397515612, ClinGen allele CA345259.